The following is an entry in ClinVar:

NM_001015880.2(PAPSS2):c.492T>A (p.Tyr164Ter)

Gene: PAPSS2 (3'-phosphoadenosine 5'-phosphosulfate synthase 2; plus strand). Cytogenetic location: 10q23.31.
Variant type: single nucleotide variant.
Coding change: c.492T>A on transcript NM_001015880.2 (MANE Select); coding-DNA position 492, T replaced by A.
Protein change: p.Tyr164Ter; replaces tyrosine 164 with a stop codon.
Molecular consequence: nonsense.
Genome position (GRCh38, 1-based): chr10:87,714,154, T>A. VCF-style: chr10-87714154-T-A. GRCh37 (hg19) VCF-style: chr10-89473911-T-A.
Other names: c.492T>A, p.Tyr164Ter (NM_004670.4); short protein forms Y164*.
Identifiers: ClinVar variation 4750649 (VCV004750649.1).

ClinVar aggregate classification (germline): Pathogenic (1 of 4 stars; one submission).

Conditions:
Spondyloepimetaphyseal dysplasia, PAPSS2 type. Also called: SEMD, PAKISTANI TYPE; BRACHYOLMIA TYPE 4 WITH MILD EPIPHYSEAL AND METAPHYSEAL CHANGES; SPONDYLODYSPLASIA AND PREMATURE PUBARCHE. Identifiers: Orphanet 93282, MedGen C2748516, MONDO:0019666, OMIM 612847.

gnomAD v4.1: 9 of 1,613,820 alleles (0.00056%); highest among the groups gnomAD compares: Non-Finnish European, 0.00076%; no homozygotes.

Submission:

Labcorp Genetics (formerly Invitae), Labcorp
Classification: Pathogenic for Spondyloepimetaphyseal dysplasia, PAPSS2 type. Last evaluated: 2025-09-18. Review status: criteria provided, single submitter. Criteria: Invitae Variant Classification Sherloc (09022015). Collection method: clinical testing. Allele origin: germline.
Comment: This sequence change creates a premature translational stop signal (p.Tyr164*) in the PAPSS2 gene. It is expected to result in an absent or disrupted protein product. Loss-of-function variants in PAPSS2 are known to be pathogenic (PMID: 22791835, 23633440). This variant is present in population databases (rs151028232, gnomAD 0.0009%). This variant has not been reported in the literature in individuals affected with PAPSS2-related conditions. For these reasons, this variant has been classified as Pathogenic.

Literature cited by the submitters: PubMed 22791835; PubMed 23633440.